The following is an entry in ClinVar:

ClinVar aggregate classification (germline): Uncertain significance. Review status: criteria provided, multiple submitters, no conflicts (2 of 4 stars). 3 submissions from 3 submitters: Uncertain significance (3). Last evaluated 2025-05-30.

Conditions:
Inborn genetic diseases. Identifiers: MedGen C0950123, MeSH D030342.
Pseudohypoaldosteronism type 2C (PHA2C). Also called: Pseudohypoaldosteronism Type IIC. Identifiers: Orphanet 757, Orphanet 88940, MedGen C1840391, MONDO:0013778, OMIM 614492.
Neuropathy, hereditary sensory and autonomic, type 2A (HSAN2A). Also called: ACROOSTEOLYSIS, GIACCAI TYPE; ACROOSTEOLYSIS, NEUROGENIC; WNK1-Related HSAN2 (HSAN2A); MORVAN DISEASE; NEUROPATHY, CONGENITAL SENSORY; NEUROPATHY, HEREDITARY SENSORY RADICULAR, AUTOSOMAL RECESSIVE. Identifiers: Orphanet 970, MedGen C2752089, MONDO:0024309, OMIM 201300.

Allele frequency attached by ClinVar (database versions not stated): TOPMed 0.00002; gnomAD 0.00003; gnomAD exomes 0.00003 and 0.00004; ExAC 0.00005; ESP Exome Variant Server 0.00015.
gnomAD v4.1: 52 of 1,611,522 alleles (0.0032%); highest among the groups gnomAD compares: Admixed American, 0.0067%; no homozygotes.

Submissions (3):

Labcorp Genetics (formerly Invitae), Labcorp
Classification: Uncertain significance for Neuropathy, hereditary sensory and autonomic, type 2A; Pseudohypoaldosteronism type 2C. Last evaluated: 2025-05-30. Review status: criteria provided, single submitter. Criteria: Invitae Variant Classification Sherloc (09022015). Collection method: clinical testing. Allele origin: germline.
Comment: This sequence change replaces histidine, which is basic and polar, with arginine, which is basic and polar, at codon 2283 of the WNK1 protein (p.His2283Arg). This variant is present in population databases (rs371469607, gnomAD 0.007%). This variant has not been reported in the literature in individuals affected with WNK1-related conditions. ClinVar contains an entry for this variant (Variation ID: 649423). Invitae Evidence Modeling of protein sequence and biophysical properties (such as structural, functional, and spatial information, amino acid conservation, physicochemical variation, residue mobility, and thermodynamic stability) indicates that this missense variant is not expected to disrupt WNK1 protein function with a negative predictive value of 95%. In summary, the available evidence is currently insufficient to determine the role of this variant in disease. Therefore, it has been classified as a Variant of Uncertain Significance.

Blueprint Genetics
Classification: Uncertain significance. Last evaluated: 2023-10-30. Review status: criteria provided, single submitter. Criteria: ACMG Guidelines, 2015. Collection method: clinical testing. Allele origin: germline.

Ambry Genetics
Classification: Uncertain significance for Inborn genetic diseases. Last evaluated: 2021-10-19. Review status: criteria provided, single submitter. Criteria: Ambry Variant Classification Scheme 2023. Collection method: clinical testing. Allele origin: germline.
Comment: The p.H2283R variant (also known as c.6848A>G), located in coding exon 24 of the WNK1 gene, results from an A to G substitution at nucleotide position 6848. The histidine at codon 2283 is replaced by arginine, an amino acid with highly similar properties. This amino acid position is not well conserved in available vertebrate species, and arginine is the reference amino acid in other vertebrate species. In addition, this alteration is predicted to be tolerated by in silico analysis. Since supporting evidence is limited at this time, the clinical significance of this alteration remains unclear.

NM_018979.4(WNK1):c.6092A>G (p.His2031Arg)

Gene: WNK1 (WNK lysine deficient protein kinase 1; plus strand). Cytogenetic location: 12p13.33.
Variant type: single nucleotide variant.
Coding change: c.6092A>G on transcript NM_018979.4 (MANE Select); coding-DNA position 6092, A replaced by G.
Protein change: p.His2031Arg; replaces histidine 2031 with arginine.
Molecular consequence: missense variant.
Genome position (GRCh38, 1-based): chr12:896,579, A>G. VCF-style: chr12-896579-A-G. GRCh37 (hg19) VCF-style: chr12-1005745-A-G.
Other names: c.6872A>G, p.His2291Arg (NM_001184985.2); c.5348A>G, p.His1783Arg (NM_014823.3); c.6848A>G, p.His2283Arg (NM_213655.5); short protein forms H2291R, H2283R, H1783R, H2031R.
Identifiers: ClinVar variation 649423 (VCV000649423.12), dbSNP rs371469607, ClinGen allele CA6383328.